The following is an entry in ClinVar:

ClinVar aggregate classification (germline): Uncertain significance. Review status: criteria provided, multiple submitters, no conflicts (2 of 4 stars). 6 submissions from 6 submitters: Uncertain significance (6). Last evaluated 2025-08-17.

Conditions:
Inborn genetic diseases. Identifiers: MedGen C0950123, MeSH D030342.
Developmental and epileptic encephalopathy, 18 (DEE18). Also called: Early infantile epileptic encephalopathy 18. Identifiers: Orphanet 369894, MedGen C3809624, MONDO:0014201, OMIM 615476.

Allele frequency attached by ClinVar (database versions not stated): ExAC 0.00003; TOPMed 0.00004; gnomAD 0.00007 and 0.00008.
gnomAD v4.1: 132 of 1,614,046 alleles (0.0082%); highest among the groups gnomAD compares: Non-Finnish European, 0.01%; no homozygotes.

Submissions (6):

Women's Health and Genetics/Laboratory Corporation of America, LabCorp
Classification: Uncertain significance. Last evaluated: 2025-08-17. Review status: criteria provided, single submitter. Criteria: LabCorp Variant Classification Summary - May 2015. Collection method: clinical testing. Allele origin: germline.
Comment: Variant summary: SZT2 c.7873G>A (p.Val2625Met) results in a conservative amino acid change in the encoded protein sequence. Algorithms developed to predict the effect of missense changes on protein structure and function all suggest that this variant is likely to be tolerated. The variant allele was found at a frequency of 3.6e-05 in 251280 control chromosomes. The available data on variant occurrences in the general population are insufficient to allow any conclusion about variant significance. To our knowledge, no occurrence of c.7873G>A in individuals affected with Early Infantile Epileptic Encephalopathy 18 and no experimental evidence demonstrating its impact on protein function have been reported. ClinVar contains an entry for this variant (Variation ID: 595666). Based on the evidence outlined above, the variant was classified as uncertain significance.

GeneDx
Classification: Uncertain significance. Last evaluated: 2024-10-03. Review status: criteria provided, single submitter. Criteria: GeneDx Variant Classification Process June 2021. Collection method: clinical testing. Allele origin: germline. Affected: yes.
Comment: Has not been previously published as pathogenic or benign to our knowledge; In silico analysis indicates that this missense variant does not alter protein structure/function

Genome-Nilou Lab
Classification: Uncertain significance for Developmental and epileptic encephalopathy, 18. Last evaluated: 2023-04-11. Review status: criteria provided, single submitter. Criteria: ACMG Guidelines, 2015. Collection method: clinical testing. Allele origin: germline. Affected: no.

Labcorp Genetics (formerly Invitae), Labcorp
Classification: Uncertain significance. Last evaluated: 2022-10-24. Review status: criteria provided, single submitter. Criteria: Invitae Variant Classification Sherloc (09022015). Collection method: clinical testing. Allele origin: germline.
Comment: This sequence change replaces valine, which is neutral and non-polar, with methionine, which is neutral and non-polar, at codon 2625 of the SZT2 protein (p.Val2625Met). This variant is present in population databases (rs749819665, gnomAD 0.02%). This variant has not been reported in the literature in individuals affected with SZT2-related conditions. ClinVar contains an entry for this variant (Variation ID: 595666). Advanced modeling of protein sequence and biophysical properties (such as structural, functional, and spatial information, amino acid conservation, physicochemical variation, residue mobility, and thermodynamic stability) performed at Invitae indicates that this missense variant is not expected to disrupt SZT2 protein function. In summary, the available evidence is currently insufficient to determine the role of this variant in disease. Therefore, it has been classified as a Variant of Uncertain Significance.

Ambry Genetics
Classification: Uncertain significance for Inborn genetic diseases. Last evaluated: 2021-07-14. Review status: criteria provided, single submitter. Criteria: Ambry Variant Classification Scheme 2023. Collection method: clinical testing. Allele origin: germline.

Eurofins Ntd Llc (ga)
Classification: Uncertain significance. Last evaluated: 2018-01-09. Review status: criteria provided, single submitter. Criteria: EGL Classification Definitions 2015. Collection method: clinical testing. Allele origin: germline. Observed: 1 variant allele, 1 heterozygote.

NM_001365999.1(SZT2):c.8044G>A (p.Val2682Met)

Gene: SZT2 (SZT2 subunit of KICSTOR complex; plus strand). Cytogenetic location: 1p34.2.
Variant type: single nucleotide variant.
Coding change: c.8044G>A on transcript NM_001365999.1 (MANE Select); coding-DNA position 8044, G replaced by A.
Protein change: p.Val2682Met; replaces valine 2682 with methionine.
Molecular consequence: missense variant.
Genome position (GRCh38, 1-based): chr1:43,442,511, G>A. VCF-style: chr1-43442511-G-A. GRCh37 (hg19) VCF-style: chr1-43908182-G-A.
Other names: c.7873G>A, p.Val2625Met (NM_015284.4); short protein forms V2625M, V2682M.
Identifiers: ClinVar variation 595666 (VCV000595666.16), dbSNP rs749819665, ClinGen allele CA810436.